The following is an entry in ClinVar:

ClinVar aggregate classification (germline): Conflicting classifications of pathogenicity. Review status: criteria provided, conflicting classifications (1 of 4 stars). 5 submissions from 4 submitters: Uncertain significance (1); Benign (1); Likely benign (2). 1 of the submissions does not count toward it. Last evaluated 2026-01-17.

Conditions:
LTBP2-related disorder. Also called: LTBP2-related disorders; LTBP2-related condition.
Weill-Marchesani syndrome. Also called: WM Syndrome; Mesodermal dysmorphodystrophy congenital. Identifiers: Orphanet 3449, MedGen C0265313, MONDO:0018096.
Glaucoma 3, primary congenital, D. Identifiers: Orphanet 98976, MedGen C2751316, MONDO:0013122, OMIM 613086.

Allele frequency attached by ClinVar (database versions not stated): gnomAD exomes 0.00034 and 0.00091; ExAC 0.00112; gnomAD 0.00344 and 0.00364; TOPMed 0.00388; ESP Exome Variant Server 0.00392; 1000 Genomes Project 30x 0.00468; 1000 Genomes Project 0.00479.
gnomAD v4.1: 1,042 of 1,613,686 alleles (0.065%); highest among the groups gnomAD compares: African/African-American, 1.1%; 7 homozygotes.

Submissions (9):

Labcorp Genetics (formerly Invitae), Labcorp
Classification: Benign. Last evaluated: 2026-01-17. Review status: criteria provided, single submitter. Criteria: Invitae Variant Classification Sherloc (09022015). Collection method: clinical testing. Allele origin: germline.

Blueprint Genetics
Classification: Likely benign. Last evaluated: 2024-10-16. Review status: criteria provided, single submitter. Criteria: ACMG Guidelines, 2015. Collection method: clinical testing. Allele origin: germline.

Illumina Laboratory Services, Illumina
Classification: Uncertain significance for Glaucoma 3, primary congenital, D. Last evaluated: 2018-01-13. Review status: criteria provided, single submitter. Criteria: ICSL Variant Classification Criteria 13 December 2019. Collection method: clinical testing. Allele origin: germline.

Illumina Laboratory Services, Illumina
Classification: Likely benign for Weill-Marchesani syndrome. Last evaluated: 2018-01-13. Review status: criteria provided, single submitter. Criteria: ICSL Variant Classification Criteria 13 December 2019. Collection method: clinical testing. Allele origin: germline.
Comment: This variant was observed in the ICSL laboratory as part of a predisposition screen in an ostensibly healthy population. It had not been previously curated by ICSL or reported in the Human Gene Mutation Database (HGMD: prior to June 1st, 2018), and was therefore a candidate for classification through an automated scoring system. Utilizing variant allele frequency, disease prevalence and penetrance estimates, and inheritance mode, an automated score was calculated to assess if this variant is too frequent to cause the disease. Based on the score and internal cut-off values, a variant classified as likely benign is not then subjected to further curation. The score for this variant resulted in a classification of likely benign for this disease.

PreventionGenetics, part of Exact Sciences
Classification: Benign for LTBP2-related condition. Last evaluated: 2024-07-11. Review status: no assertion criteria provided. Collection method: clinical testing. Allele origin: germline. Not counted in ClinVar's aggregate classification.
Comment: This variant is classified as benign based on ACMG/AMP sequence variant interpretation guidelines (Richards et al. 2015 PMID: 25741868, with internal and published modifications).

Dr. Peter K. Rogan Lab, Western University
No classification provided (evidence only). Condition: Familial cancer of breast. Review status: no classification provided. Collection method: in vitro. Allele origin: not applicable. Functional consequence: skipped exon. Not counted in ClinVar's aggregate classification.

Dr. Peter K. Rogan Lab, Western University
No classification provided (evidence only). Condition: Thymoma. Review status: no classification provided. Collection method: in vitro. Allele origin: not applicable. Functional consequence: skipped exon. Not counted in ClinVar's aggregate classification.

Dr. Peter K. Rogan Lab, Western University
No classification provided (evidence only). Condition: Ovarian serous cystadenocarcinoma. Review status: no classification provided. Collection method: in vitro. Allele origin: not applicable. Functional consequence: retained intron. Not counted in ClinVar's aggregate classification.

Dr. Peter K. Rogan Lab, Western University
No classification provided (evidence only). Condition: Uterine carcinosarcoma. Review status: no classification provided. Collection method: in vitro. Allele origin: not applicable. Functional consequence: skipped exon. Not counted in ClinVar's aggregate classification.

NM_000428.3(LTBP2):c.3527-3C>A

Gene: LTBP2 (latent transforming growth factor beta binding protein 2; minus strand). Cytogenetic location: 14q24.3.
Variant type: single nucleotide variant.
Coding change: c.3527-3C>A on transcript NM_000428.3 (MANE Select); 3 bases into the intron before coding-DNA position 3527, C replaced by A.
Molecular consequence: intron variant.
Genome position (GRCh38, 1-based): chr14:74,508,732, G>T on the plus strand (C>A on the coding strand, the complement: LTBP2 is on the minus strand). VCF-style: chr14-74508732-G-T. GRCh37 (hg19) VCF-style: chr14-74975435-G-T.
Identifiers: ClinVar variation 314282 (VCV000314282.17), dbSNP rs138194436, ClinGen allele CA7269125.